The following is an entry in ClinVar:

ClinVar aggregate classification (germline): Uncertain significance. Review status: criteria provided, multiple submitters, no conflicts (2 of 4 stars). 2 submissions from 2 submitters: Uncertain significance (2). Last evaluated 2024-01-29.

Conditions:
Upshaw-Schulman syndrome (TTP). Also called: Congenital thrombotic thrombocytopenic purpura; THROMBOTIC THROMBOCYTOPENIC PURPURA, HEREDITARY. Identifiers: Orphanet 93583, MedGen C1268935, MONDO:0010122, OMIM 274150.

Allele frequency attached by ClinVar (database versions not stated): ExAC 0.00002; TOPMed 0.00002; gnomAD 0.00003.

Submissions (2):

Fulgent Genetics
Classification: Uncertain significance for Upshaw-Schulman syndrome. Last evaluated: 2024-01-29. Review status: criteria provided, single submitter. Criteria: ACMG Guidelines, 2015. Collection method: clinical testing. Allele origin: germline.

Labcorp Genetics (formerly Invitae), Labcorp
Classification: Uncertain significance. Last evaluated: 2022-07-30. Review status: criteria provided, single submitter. Criteria: Invitae Variant Classification Sherloc (09022015). Collection method: clinical testing. Allele origin: germline.
Comment: This sequence change replaces aspartic acid, which is acidic and polar, with asparagine, which is neutral and polar, at codon 217 of the ADAMTS13 protein (p.Asp217Asn). This variant is present in population databases (rs782305581, gnomAD 0.004%). This variant has not been reported in the literature in individuals affected with ADAMTS13-related conditions. Algorithms developed to predict the effect of missense changes on protein structure and function are either unavailable or do not agree on the potential impact of this missense change (SIFT: "Deleterious"; PolyPhen-2: "Probably Damaging"; Align-GVGD: "Class C0"). In summary, the available evidence is currently insufficient to determine the role of this variant in disease. Therefore, it has been classified as a Variant of Uncertain Significance.

NM_139027.6(ADAMTS13):c.649G>A (p.Asp217Asn)

Gene: ADAMTS13 (ADAM metallopeptidase with thrombospondin type 1 motif 13; plus strand). Cytogenetic location: 9q34.2.
Variant type: single nucleotide variant.
Coding change: c.649G>A on transcript NM_139027.6 (MANE Select); coding-DNA position 649, G replaced by A.
Protein change: p.Asp217Asn; replaces aspartic acid 217 with asparagine.
Molecular consequence: missense variant. On other transcripts: non-coding transcript variant (1).
Genome position (GRCh38, 1-based): chr9:133,426,308, G>A. VCF-style: chr9-133426308-G-A. GRCh37 (hg19) VCF-style: chr9-136291428-G-A.
Other names: c.649G>A, p.Asp217Asn (NM_139025.5, NM_139026.6); short protein forms D217N.
Identifiers: ClinVar variation 2418423 (VCV002418423.4), dbSNP rs782305581, ClinGen allele CA200922319.